The following is an entry in ClinVar:

ClinVar aggregate classification (germline): Pathogenic (1 of 4 stars; one submission).

Conditions:
Neurodevelopmental disorder with hypotonia, neuropathy, and deafness (NEDHND). Also called: Myopathy, congenital, with neuropathy and deafness; SPTBN4 Disorder. Identifiers: MedGen C4479603, MONDO:0060496, OMIM 617519.

Submission:

Charité Universitätsmedizin Berlin, Charite Universitaetsmedizin Berlin
Classification: Pathogenic for Neurodevelopmental disorder with hypotonia, neuropathy, and deafness. Last evaluated: 2020-07-01. Review status: criteria provided, single submitter. Criteria: ACMG Guidelines, 2015. Collection method: clinical testing. Allele origin: inherited. Inheritance: Autosomal recessive inheritance. Affected: yes.
Comment: According to the Standards and Guidelines for the Interpretation of Sequence Variants developed by the American College of Medical Genetics and Genomics the evidence of pathogenicity of the p.(Asp1126Thrfs*39) variant is very strong because null variants are a known mechanism of pathogenicity consistent with the established inheritance pattern for the disease.

NM_020971.3(SPTBN4):c.3375_3393del (p.Asp1126fs)

Gene: SPTBN4 (spectrin beta, non-erythrocytic 4; plus strand). Cytogenetic location: 19q13.2.
Variant type: Deletion.
Coding change: c.3375_3393del on transcript NM_020971.3 (MANE Select); coding-DNA positions 3375 to 3393, 19 bases deleted (GGACGCGCTGCTGGCGCGC).
Protein change: p.Asp1126fs; shifts the reading frame from aspartic acid 1126.
Molecular consequence: frameshift variant.
Genome position (GRCh38, 1-based): chr19:40,519,872-40,519,890, GGACGCGCTGCTGGCGCGC deleted; deleting any 19 consecutive bases within chr19:40,519,870-40,519,890 gives the same sequence; the c. name uses the placement nearest the transcript's 3' end. VCF-style (leftmost placement, unchanged base first): chr19-40519869-GGCGGACGCGCTGCTGGCGC-G. GRCh37 (hg19) VCF-style: chr19-41025776-GGCGGACGCGCTGCTGGCGC-G.
Other names: short protein forms D1126fs.
Identifiers: ClinVar variation 987745 (VCV000987745.1), dbSNP rs2080505282, ClinGen allele CA1139666454.